The following is an entry in ClinVar:

ClinVar aggregate classification (germline): Conflicting classifications of pathogenicity. Review status: criteria provided, conflicting classifications (1 of 4 stars). 12 submissions from 12 submitters: Uncertain significance (6); Likely benign (4). 2 of the submissions do not count toward it. Last evaluated 2025-07-24.

Conditions:
TTN-related disorder. Also called: TTN-related disorders; TTN-related condition; TTN-related disease.
Hypertrophic cardiomyopathy 9. Also called: Familial hypertrophic cardiomyopathy 9. Identifiers: MedGen C1861065, MONDO:0013412, OMIM 613765.
Dilated cardiomyopathy 1G (CMD1G). Identifiers: Orphanet 154, MedGen C1858763, MONDO:0011400, OMIM 604145.
Myopathy, myofibrillar, 9, with early respiratory failure (MFM9). Also called: Hereditary myopathy with early respiratory failure; MYOPATHY, PROXIMAL, WITH EARLY RESPIRATORY MUSCLE INVOLVEMENT; EDSTROM MYOPATHY; Myopathy, distal, with early respiratory failure, autosomal dominant. Identifiers: Orphanet 178464, Orphanet 34521, MedGen C1863599, MONDO:0011362, OMIM 603689.
Autosomal recessive limb-girdle muscular dystrophy type 2J (LGMDR10). Also called: Limb-girdle muscular dystrophy, type 2J; MUSCULAR DYSTROPHY, LIMB-GIRDLE, AUTOSOMAL RECESSIVE 10. Identifiers: Orphanet 140922, MedGen C1837342, MONDO:0012127, OMIM 608807.
Tibial muscular dystrophy (TMD). Also called: UDD MYOPATHY; Tibial muscular dystrophy, tardive; Udd Distal Myopathy – Tibial Muscular Dystrophy. Identifiers: Orphanet 609, MedGen C1838244, MONDO:0010870, OMIM 600334.
Early-onset myopathy with fatal cardiomyopathy (CMYO5). Also called: CONGENITAL MYOPATHY 5 WITH CARDIOMYOPATHY; Salih Myopathy. Identifiers: Orphanet 289377, MedGen C2673677, MONDO:0012714, OMIM 611705. Disease mechanism: loss of function.

Allele frequency attached by ClinVar (database versions not stated): 1000 Genomes Project 30x 0.00016; 1000 Genomes Project 0.00020; gnomAD exomes 0.00024 and 0.00041; ExAC 0.00025; ESP Exome Variant Server 0.00031; gnomAD 0.00034; TOPMed 0.00043.
gnomAD v4.1: 662 of 1,613,366 alleles (0.041%); highest among the groups gnomAD compares: Admixed American, 0.057%; 1 homozygote.

Submissions (12):

Molecular Diagnostic Laboratory for Inherited Cardiovascular Disease, Montreal Heart Institute
Classification: Likely benign. Last evaluated: 2025-07-24. Review status: criteria provided, single submitter. Criteria: ACMG Guidelines, 2015. Collection method: clinical testing. Allele origin: germline. Affected: no.
Comment: BP1

PreventionGenetics, part of Exact Sciences
Classification: Likely benign for TTN-related condition. Last evaluated: 2025-05-23. Review status: criteria provided, single submitter. Criteria: ACMG Guidelines, 2015. Collection method: clinical testing. Allele origin: germline.
Comment: This variant is classified as likely benign based on ACMG/AMP sequence variant interpretation guidelines (Richards et al. 2015 PMID: 25741868, with internal and published modifications).

ARUP Laboratories, Molecular Genetics and Genomics, ARUP Laboratories
Classification: Uncertain significance. Last evaluated: 2025-05-15. Review status: criteria provided, single submitter. Criteria: ARUP Molecular Germline Variant Investigation Process 2024. Collection method: clinical testing. Allele origin: germline.
Comment: The NM_133379.5 TTN c.15575G>A; p.Arg5192Lys variant (rs62179016; ClinVar Variation ID: 66253) is rare in the general population (<0.2% allele frequency in the Genome Aggregation Database) and has not been reported in the medical literature in association with dilated cardiomyopathy (DCM) or other TTN-related disease. The clinical relevance of rare missense variants in this gene, which are identified on average once per individual sequenced in affected populations (Herman 2012), is not well understood. Yet, evidence suggests that the vast majority of such missense variants do not contribute to the clinical outcome of DCM (Begay 2015). Thus, the clinical significance of the p.Arg5192Lys variant cannot be determined with certainty. References: Begay RL et al. Role of Titin Missense Variants in Dilated Cardiomyopathy. J Am Heart Assoc. 2015 Nov 13;4(11). PMID: 26567375. Herman DS et al. Truncations of titin causing dilated cardiomyopathy. N Engl J Med. 2012 Feb 16;366(7):619-28. PMID: 22335739. Linke WA and Hamdani N. Gigantic business: titin properties and function through thick and thin. Circ Res 2014; 114(6): 1052-1068. PMID: 24625729.

CeGaT Center for Human Genetics Tuebingen
Classification: Uncertain significance. Last evaluated: 2024-11-01. Review status: criteria provided, single submitter. Criteria: CeGaT Center For Human Genetics Tuebingen Variant Classification Criteria Version 2. Collection method: clinical testing. Allele origin: germline. Affected: yes. Observed: 2 variant alleles.
Comment: TTN: PM2, BP4

Blueprint Genetics
Classification: Likely benign. Last evaluated: 2024-10-18. Review status: criteria provided, single submitter. Criteria: ACMG Guidelines, 2015. Collection method: clinical testing. Allele origin: germline.

Department of Pathology and Laboratory Medicine, Sinai Health System
Classification: Uncertain significance for Tibial muscular dystrophy; Myopathy, myofibrillar, 9, with early respiratory failure; Dilated cardiomyopathy 1G; Autosomal recessive limb-girdle muscular dystrophy type 2J; Early-onset myopathy with fatal cardiomyopathy; Hypertrophic cardiomyopathy 9. Last evaluated: 2022-05-04. Review status: criteria provided, single submitter. Criteria: ACMG Guidelines, 2015. Collection method: research. Allele origin: germline.

GeneDx
Classification: Likely benign. Last evaluated: 2019-01-30. Review status: criteria provided, single submitter. Criteria: GeneDx Variant Classification Process June 2021. Collection method: clinical testing. Allele origin: germline. Affected: yes.

Eurofins Ntd Llc (ga)
Classification: Uncertain significance. Last evaluated: 2018-08-15. Review status: criteria provided, single submitter. Criteria: EGL ClinVar v180209 classification definitions. Collection method: clinical testing. Allele origin: germline. Observed: 2 variant alleles, 2 heterozygotes.

Laboratory for Molecular Medicine, Mass General Brigham Personalized Medicine
Classification: Uncertain significance. Last evaluated: 2014-06-05. Review status: criteria provided, single submitter. Criteria: LMM Criteria. Collection method: clinical testing. Allele origin: germline. Observed: 1 variant allele.
Comment: The Arg5192Lys variant in TTN has not been previously reported in individuals wi th cardiomyopathy, but has been identified in 4/8596 European American chromosom es by the NHLBI Exome Sequencing Project (dbS NP rs62179016). Computational prediction tools and conservation analysis are lim ited or unavailable for this variant. In summary, the clinical significance of t he Arg5192Lys variant is uncertain.

Biesecker Lab/Clinical Genomics Section, National Institutes of Health
Classification: Uncertain significance. Last evaluated: 2013-06-24. Review status: criteria provided, single submitter. Criteria: Ng et al. (Circ Cardiovasc Genet. 2013). Collection method: research. Allele origin: unknown. Observed: 1 variant allele. Study: ClinSeq.
Comment: The study set was not selected for affection status in relation to any cancer. Pathogenicity categories were based on literature curation. See Pubmed ID:23861362 for details.

Medical sequencing

Clinical Genetics, Academic Medical Center
Classification: Likely benign. Review status: no assertion criteria provided. Collection method: clinical testing. Allele origin: germline. Affected: yes. Study: VKGL Data-share Consensus. Not counted in ClinVar's aggregate classification.

Genome Diagnostics Laboratory, University Medical Center Utrecht
Classification: Likely benign. Review status: no assertion criteria provided. Collection method: clinical testing. Allele origin: germline. Affected: yes. Study: VKGL Data-share Consensus. Not counted in ClinVar's aggregate classification.

NM_133379.5(TTN):c.15575G>A (p.Arg5192Lys)

Gene: TTN (titin; minus strand). Cytogenetic location: 2q31.2.
Variant type: single nucleotide variant.
Coding change: c.15575G>A on transcript NM_133379.5; coding-DNA position 15575, G replaced by A.
Protein change: p.Arg5192Lys; replaces arginine 5192 with lysine.
Molecular consequence: missense variant. On other transcripts: intron variant (6).
Genome position (GRCh38, 1-based): chr2:178,746,825, C>T on the plus strand (G>A on the coding strand, the complement: TTN is on the minus strand). VCF-style: chr2-178746825-C-T. GRCh37 (hg19) VCF-style: chr2-179611552-C-T.
Other names: p.R5192K:AGG>AAG; c.10360+6299G>A (NM_133378.4); c.10361-4904G>A (NM_001256850.1); c.10223-4904G>A (NM_003319.4); c.10799-4904G>A (NM_133437.4); c.10598-4904G>A (NM_133432.3); c.11312-4904G>A (NM_001267550.2); c.15575G>A (NM_133379.4); short protein forms R5192K.
Identifiers: ClinVar variation 166253 (VCV000166253.49), dbSNP rs62179016, ClinGen allele CA179079.
Genomic context (GRCh38, chr2:178,746,825, plus strand): 5'-GGAACTGGAAGACCTTCAACTTCAACAATGAAGCCTAGTGTTGTGTTTTCATATACCTTC[C>T]TTTTGGTCAGAGGTTCAATAAAAGATGGAGGCATTTCATTGTCTTTTGGCTCAATGGCTT-3'